The following is an entry in ClinVar:

ClinVar aggregate classification (germline): Conflicting classifications of pathogenicity. Review status: criteria provided, conflicting classifications (1 of 4 stars). 3 submissions from 3 submitters: Uncertain significance (2); Likely benign (1). Last evaluated 2023-07-17.

Conditions:
Hereditary cancer-predisposing syndrome. Also called: Tumor predisposition; Hereditary Cancer Syndrome; Neoplastic Syndromes, Hereditary; Hereditary neoplastic syndrome. Identifiers: Orphanet 140162, MedGen C0027672, MeSH D009386, MONDO:0015356.

Submissions (3):

Color Diagnostics, LLC DBA Color Health
Classification: Uncertain significance for Hereditary cancer-predisposing syndrome. Last evaluated: 2023-07-17. Review status: criteria provided, single submitter. Criteria: ACMG Guidelines, 2015. Collection method: clinical testing. Allele origin: germline.
Comment: This missense variant replaces asparagine with serine at codon 888 of the BRCA2 protein. Computational prediction suggests that this variant may not impact protein structure and function (internally defined REVEL score threshold <= 0.5, PMID: 27666373). To our knowledge, functional studies have not been reported for this variant. This variant has not been reported in individuals affected with BRCA2-related disorders in the literature. This variant has not been identified in the general population by the Genome Aggregation Database (gnomAD). The available evidence is insufficient to determine the role of this variant in disease conclusively. Therefore, this variant is classified as a Variant of Uncertain Significance.

University of Washington Department of Laboratory Medicine, University of Washington
Classification: Likely benign for Hereditary cancer-predisposing syndrome. Last evaluated: 2023-03-23. Review status: criteria provided, single submitter. Criteria: Dines et al. (Genet Med. 2020). Collection method: curation. Allele origin: germline.
Comment: Missense variant in a coldspot region where missense variants are very unlikely to be pathogenic (PMID:31911673).

BRCA2 exon 11 coldspot. Reclassification based on statistical prior probability.

Ambry Genetics
Classification: Uncertain significance for Hereditary cancer-predisposing syndrome. Last evaluated: 2019-07-01. Review status: criteria provided, single submitter. Criteria: Ambry Variant Classification Scheme 2023. Collection method: clinical testing. Allele origin: germline.
Comment: The p.N888S variant (also known as c.2663A>G), located in coding exon 10 of the BRCA2 gene, results from an A to G substitution at nucleotide position 2663. The asparagine at codon 888 is replaced by serine, an amino acid with highly similar properties. This amino acid position is poorly conserved in available vertebrate species. In addition, this alteration is predicted to be tolerated by in silico analysis. Since supporting evidence is limited at this time, the clinical significance of this alteration remains unclear.

NM_000059.4(BRCA2):c.2663A>G (p.Asn888Ser)

Gene: BRCA2 (BRCA2 DNA repair associated; plus strand). Cytogenetic location: 13q13.1.
Variant type: single nucleotide variant.
Coding change: c.2663A>G on transcript NM_000059.4 (MANE Select); coding-DNA position 2663, A replaced by G.
Protein change: p.Asn888Ser; replaces asparagine 888 with serine.
Molecular consequence: missense variant.
Genome position (GRCh38, 1-based): chr13:32,337,018, A>G. VCF-style: chr13-32337018-A-G. GRCh37 (hg19) VCF-style: chr13-32911155-A-G.
Other names: short protein forms N888S.
Identifiers: ClinVar variation 821596 (VCV000821596.7), dbSNP rs1593897475, ClinGen allele CA387773353.